The following is an entry in ClinVar:

NM_004525.3(LRP2):c.667G>A (p.Gly223Ser)

Gene: LRP2 (LDL receptor related protein 2; minus strand). Cytogenetic location: 2q31.1.
Variant type: single nucleotide variant.
Coding change: c.667G>A on transcript NM_004525.3 (MANE Select); coding-DNA position 667, G replaced by A.
Protein change: p.Gly223Ser; replaces glycine 223 with serine.
Molecular consequence: missense variant.
Genome position (GRCh38, 1-based): chr2:169,292,355, C>T on the plus strand (G>A on the coding strand, the complement: LRP2 is on the minus strand). VCF-style: chr2-169292355-C-T. GRCh37 (hg19) VCF-style: chr2-170148865-C-T.
Other names: c.667G>A (NM_004525.2); short protein forms G223S.
Identifiers: ClinVar variation 996949 (VCV000996949.10), dbSNP rs528193479, ClinGen allele CA1955785.

ClinVar aggregate classification (germline): Uncertain significance. Review status: criteria provided, multiple submitters, no conflicts (2 of 4 stars). 6 submissions from 6 submitters: Uncertain significance (6). Last evaluated 2024-10-29.

Conditions:
Inborn genetic diseases. Identifiers: MedGen C0950123, MeSH D030342.
Donnai-Barrow syndrome. Also called: DBS/FOAR SYNDROME; FACIOOCULOACOUSTICORENAL SYNDROME. Identifiers: Orphanet 2143, MedGen C1857277, MONDO:0009104, OMIM 222448.

Allele frequency attached by ClinVar (database versions not stated): ExAC 0.00002; gnomAD exomes 0.00003; TOPMed 0.00011; 1000 Genomes Project 30x 0.00016; 1000 Genomes Project 0.00020.
gnomAD v4.1: 89 of 1,612,818 alleles (0.0055%); highest among the groups gnomAD compares: Admixed American, 0.083%; no homozygotes.

Submissions (6):

Ambry Genetics
Classification: Uncertain significance for Inborn genetic diseases. Last evaluated: 2024-10-29. Review status: criteria provided, single submitter. Criteria: Ambry Variant Classification Scheme 2023. Collection method: clinical testing. Allele origin: germline.

GeneDx
Classification: Uncertain significance. Last evaluated: 2024-03-06. Review status: criteria provided, single submitter. Criteria: GeneDx Variant Classification Process June 2021. Collection method: clinical testing. Allele origin: germline. Affected: yes.
Comment: In silico analysis supports that this missense variant does not alter protein structure/function; Has not been previously published as pathogenic or benign to our knowledge

Fulgent Genetics
Classification: Uncertain significance for Donnai-Barrow syndrome. Last evaluated: 2024-01-13. Review status: criteria provided, single submitter. Criteria: ACMG Guidelines, 2015. Collection method: clinical testing. Allele origin: germline.

Labcorp Genetics (formerly Invitae), Labcorp
Classification: Uncertain significance. Last evaluated: 2022-10-24. Review status: criteria provided, single submitter. Criteria: Invitae Variant Classification Sherloc (09022015). Collection method: clinical testing. Allele origin: germline.
Comment: This sequence change replaces glycine, which is neutral and non-polar, with serine, which is neutral and polar, at codon 223 of the LRP2 protein (p.Gly223Ser). This variant is present in population databases (rs528193479, gnomAD 0.009%). This variant has not been reported in the literature in individuals affected with LRP2-related conditions. ClinVar contains an entry for this variant (Variation ID: 996949). Advanced modeling of protein sequence and biophysical properties (such as structural, functional, and spatial information, amino acid conservation, physicochemical variation, residue mobility, and thermodynamic stability) performed at Invitae indicates that this missense variant is not expected to disrupt LRP2 protein function. In summary, the available evidence is currently insufficient to determine the role of this variant in disease. Therefore, it has been classified as a Variant of Uncertain Significance.

New York Genome Center
Classification: Uncertain significance for Donnai-Barrow syndrome. Last evaluated: 2020-05-26. Review status: criteria provided, single submitter. Criteria: NYGC Assertion Criteria 2020. Collection method: clinical testing. Allele origin: germline. Inheritance: Autosomal recessive inheritance. Observed: 1 heterozygote. Study: CSER-NYCKidSeq.

Blueprint Genetics
Classification: Uncertain significance. Last evaluated: 2020-05-15. Review status: criteria provided, single submitter. Criteria: ACMG Guidelines, 2015. Collection method: clinical testing. Allele origin: germline.